The following is an entry in ClinVar:

ClinVar aggregate classification (germline): Likely pathogenic (1 of 4 stars; one submission).

Conditions:
Ornithine carbamoyltransferase deficiency (OTCD). Also called: ORNITHINE TRANSCARBAMYLASE DEFICIENCY; ORNITHINE TRANSCARBAMYLASE DEFICIENCY, HYPERAMMONEMIA DUE TO; Ornithine Carbamoyltransferase Deficiency Disease; OTC DEFICIENCY. Identifiers: Orphanet 664, MedGen C0268542, MONDO:0010703, OMIM 311250.

Submission:

Labcorp Genetics (formerly Invitae), Labcorp
Classification: Likely pathogenic for Ornithine carbamoyltransferase deficiency. Last evaluated: 2021-11-10. Review status: criteria provided, single submitter. Criteria: Invitae Variant Classification Sherloc (09022015). Collection method: clinical testing. Allele origin: germline.
Comment: In summary, the currently available evidence indicates that the variant is pathogenic, but additional data are needed to prove that conclusively. Therefore, this variant has been classified as Likely Pathogenic. This variant disrupts the p.Gly188 amino acid residue in OTC. Other variant(s) that disrupt this residue have been observed in individuals with OTC-related conditions (PMID: 8807340, 10502831, 27489649, 33272297), which suggests that this may be a clinically significant amino acid residue. Advanced modeling of protein sequence and biophysical properties (such as structural, functional, and spatial information, amino acid conservation, physicochemical variation, residue mobility, and thermodynamic stability) performed at Invitae indicates that this missense variant is expected to disrupt OTC protein function. This variant has not been reported in the literature in individuals affected with OTC-related conditions. This variant is not present in population databases (gnomAD no frequency). This sequence change replaces glycine, which is neutral and non-polar, with serine, which is neutral and polar, at codon 188 of the OTC protein (p.Gly188Ser).

Literature cited by the submitters: PubMed 8807340; PubMed 10502831; PubMed 27489649; PubMed 33272297.

NM_000531.6(OTC):c.562G>A (p.Gly188Ser)

Gene: OTC (ornithine transcarbamylase; plus strand). Cytogenetic location: Xp11.4.
Variant type: single nucleotide variant.
Coding change: c.562G>A on transcript NM_000531.6 (MANE Select); coding-DNA position 562, G replaced by A.
Protein change: p.Gly188Ser; replaces glycine 188 with serine.
Molecular consequence: missense variant.
Genome position (GRCh38, 1-based): chrX:38,403,639, G>A. VCF-style: chrX-38403639-G-A. GRCh37 (hg19) VCF-style: chrX-38262892-G-A.
Other names: short protein forms G188S.
Identifiers: ClinVar variation 1485148 (VCV001485148.6), dbSNP rs72556294, ClinGen allele CA412725266.
Genomic context (GRCh38, chrX:38,403,639, plus strand): 5'-TACGCCTGGATTTCATCTCCTTCATCCCGTGCCTTTTAGGAACACTATAGCTCTCTGAAA[G>A]GTCTTACCCTCAGCTGGATCGGGGATGGGAACAATATCCTGCACTCCATCATGATGAGCG-3'
Protein context (NP_000522.3, residues 178-198): TLQEHYSSLK[Gly188Ser]LTLSWIGDGN